The following is an entry in ClinVar:

NM_000059.4(BRCA2):c.4245G>A (p.Glu1415=)

Gene: BRCA2 (BRCA2 DNA repair associated; plus strand). Cytogenetic location: 13q13.1.
Variant type: single nucleotide variant.
Coding change: c.4245G>A on transcript NM_000059.4 (MANE Select); coding-DNA position 4245, G replaced by A.
Protein change: p.Glu1415=; no amino-acid change (glutamic acid 1415 retained).
Molecular consequence: synonymous variant.
Genome position (GRCh38, 1-based): chr13:32,338,600, G>A. VCF-style: chr13-32338600-G-A. GRCh37 (hg19) VCF-style: chr13-32912737-G-A.
Identifiers: ClinVar variation 183848 (VCV000183848.25), dbSNP rs786201111, ClinGen allele CA019776.

ClinVar aggregate classification (germline): Likely benign. Review status: reviewed by expert panel (3 of 4 stars). 5 submissions from 5 submitters: Likely benign (1). 4 of the submissions do not count toward it. Last evaluated 2017-06-29.

Conditions:
Hereditary cancer-predisposing syndrome. Also called: Tumor predisposition; Hereditary Cancer Syndrome; Hereditary neoplastic syndrome; Neoplastic Syndromes, Hereditary. Identifiers: Orphanet 140162, MedGen C0027672, MeSH D009386, MONDO:0015356.
Hereditary breast ovarian cancer syndrome. Also called: Breast and ovarian cancer; Hereditary breast and ovarian cancer syndrome; Hereditary breast and ovarian cancer; BRCA1- and BRCA2-Associated Hereditary Breast and Ovarian Cancer; Hereditary breast and ovarian cancer syndrome (HBOC); Hereditary breast and/or ovarian cancer syndrome. Identifiers: Orphanet 145, MedGen C0677776, MeSH D061325, MONDO:0003582. Disease mechanism: loss of function.
Breast-ovarian cancer, familial, susceptibility to, 2 (BROVCA2). Also called: BRCA2 Hereditary Breast and Ovarian Cancer. Identifiers: Orphanet 145, MedGen C2675520, MONDO:0012933, OMIM 612555. Disease mechanism: loss of function.

Allele frequency attached by ClinVar (database versions not stated): gnomAD exomes below 0.00001.
gnomAD v4.1: 1 of 1,595,990 alleles (0.000063%); highest among the groups gnomAD compares: East Asian, 0.0022%; no homozygotes.

Submissions (5):

Evidence-based Network for the Interpretation of Germline Mutant Alleles (ENIGMA)
Classification: Likely benign for Breast-ovarian cancer, familial, susceptibility to, 2. Last evaluated: 2017-06-29. Review status: reviewed by expert panel. Criteria: ENIGMA BRCA1/2 Classification Criteria (2017-06-29). Collection method: curation. Allele origin: germline.
Comment: Synonymous substitution variant, with low bioinformatic likelihood to result in a splicing aberration (Splicing prior probability 0.02).

Labcorp Genetics (formerly Invitae), Labcorp
Classification: Likely benign for Hereditary breast ovarian cancer syndrome. Last evaluated: 2025-10-15. Review status: criteria provided, single submitter. Criteria: Invitae Variant Classification Sherloc (09022015). Collection method: clinical testing. Allele origin: germline. Not counted in ClinVar's aggregate classification.

Women's Health and Genetics/Laboratory Corporation of America, LabCorp
Classification: Likely benign. Last evaluated: 2024-02-14. Review status: criteria provided, single submitter. Criteria: LabCorp Variant Classification Summary - May 2015. Collection method: clinical testing. Allele origin: germline. Not counted in ClinVar's aggregate classification.

Color Diagnostics, LLC DBA Color Health
Classification: Likely benign for Hereditary cancer-predisposing syndrome. Last evaluated: 2018-12-04. Review status: criteria provided, single submitter. Criteria: ACMG Guidelines, 2015. Collection method: clinical testing. Allele origin: germline. Not counted in ClinVar's aggregate classification.

Ambry Genetics
Classification: Likely benign for Hereditary cancer-predisposing syndrome. Last evaluated: 2016-03-28. Review status: criteria provided, single submitter. Criteria: Ambry Variant Classification Scheme 2023. Collection method: clinical testing. Allele origin: germline. Not counted in ClinVar's aggregate classification.